The following is an entry in ClinVar:

NM_182978.4(GNAL):c.1324G>A (p.Asp442Asn)

Gene: GNAL (G protein subunit alpha L; plus strand). Cytogenetic location: 18p11.21.
Variant type: single nucleotide variant.
Coding change: c.1324G>A on transcript NM_182978.4 (MANE Select); coding-DNA position 1324, G replaced by A.
Protein change: p.Asp442Asn; replaces aspartic acid 442 with asparagine.
Molecular consequence: missense variant.
Genome position (GRCh38, 1-based): chr18:11,881,082, G>A. VCF-style: chr18-11881082-G-A. GRCh37 (hg19) VCF-style: chr18-11881081-G-A.
Other names: c.1093G>A, p.Asp365Asn (NM_001142339.3, NM_001261443.2, NM_001369387.1); c.472G>A, p.Asp158Asn (NM_001261444.2); short protein forms D442N, D158N, D365N.
Identifiers: ClinVar variation 1975773 (VCV001975773.5), dbSNP rs772266110, ClinGen allele CA8894277.

ClinVar aggregate classification (germline): Uncertain significance (1 of 4 stars; one submission).

Conditions:
Dystonic disorder. Also called: Dystonia. Identifiers: MedGen C0013421, MONDO:0003441, HP:0001332.

Allele frequency attached by ClinVar (database versions not stated): TOPMed below 0.00001; ExAC 0.00001; gnomAD exomes 0.00001.
gnomAD v4.1: 12 of 1,613,266 alleles (0.00074%); highest among the groups gnomAD compares: East Asian, 0.0022%; no homozygotes.

Submission:

Labcorp Genetics (formerly Invitae), Labcorp
Classification: Uncertain significance for Dystonic disorder. Last evaluated: 2022-06-30. Review status: criteria provided, single submitter. Criteria: Invitae Variant Classification Sherloc (09022015). Collection method: clinical testing. Allele origin: germline.
Comment: In summary, the available evidence is currently insufficient to determine the role of this variant in disease. Therefore, it has been classified as a Variant of Uncertain Significance. Advanced modeling of protein sequence and biophysical properties (such as structural, functional, and spatial information, amino acid conservation, physicochemical variation, residue mobility, and thermodynamic stability) performed at Invitae indicates that this missense variant is expected to disrupt GNAL protein function. This variant has not been reported in the literature in individuals affected with GNAL-related conditions. The frequency data for this variant in the population databases is considered unreliable, as metrics indicate poor data quality at this position in the gnomAD database. This sequence change replaces aspartic acid, which is acidic and polar, with asparagine, which is neutral and polar, at codon 365 of the GNAL protein (p.Asp365Asn).